The following is an entry in ClinVar:

ClinVar aggregate classification (germline): Conflicting classifications of pathogenicity. Review status: criteria provided, conflicting classifications (1 of 4 stars). 10 submissions from 10 submitters: Uncertain significance (7); Likely benign (3). Last evaluated 2026-01-28.

Conditions:
TTN-related disorder. Also called: TTN-related condition; TTN-related disease; TTN-related disorders.
Dilated cardiomyopathy 1G (CMD1G). Identifiers: Orphanet 154, MedGen C1858763, MONDO:0011400, OMIM 604145.
Autosomal recessive limb-girdle muscular dystrophy type 2J (LGMDR10). Also called: Limb-girdle muscular dystrophy, type 2J; MUSCULAR DYSTROPHY, LIMB-GIRDLE, AUTOSOMAL RECESSIVE 10. Identifiers: Orphanet 140922, MedGen C1837342, MONDO:0012127, OMIM 608807.
Cardiovascular phenotype. Identifiers: MedGen CN230736.
Cardiomyopathy (CMYO). Also called: Cardiomyopathies. Identifiers: Orphanet 167848, MedGen C0878544, MONDO:0004994, HP:0001638. Inheritance: Various modes of inheritance.
Hypertrophic cardiomyopathy 9. Also called: Familial hypertrophic cardiomyopathy 9. Identifiers: MedGen C1861065, MONDO:0013412, OMIM 613765.

Allele frequency attached by ClinVar (database versions not stated): TOPMed 0.00002; gnomAD exomes 0.00004; gnomAD 0.00005 and 0.00006; ExAC 0.00002.
gnomAD v4.1: 83 of 1,613,968 alleles (0.0051%); highest among the groups gnomAD compares: East Asian, 0.013%; no homozygotes.

Submissions (10):

Labcorp Genetics (formerly Invitae), Labcorp
Classification: Uncertain significance for Dilated cardiomyopathy 1G; Autosomal recessive limb-girdle muscular dystrophy type 2J. Last evaluated: 2026-01-28. Review status: criteria provided, single submitter. Criteria: Invitae Variant Classification Sherloc (09022015). Collection method: clinical testing. Allele origin: germline.
Comment: This sequence change replaces alanine, which is neutral and non-polar, with valine, which is neutral and non-polar, at codon 34754 of the TTN protein (p.Ala34754Val). This variant is present in population databases (rs727505020, gnomAD 0.02%). This missense change has been observed in individual(s) with clinical features of autosomal recessive TTN-related conditions and/or hypertrophic cardiomyopathy or dilated cardiomyopathy (PMID: 23396983; internal data). ClinVar contains an entry for this variant (Variation ID: 179648). Experimental studies and prediction algorithms are not available or were not evaluated, and the functional significance of this variant is currently unknown. This variant is located in the M band of TTN (PMID: 25589632). Non-truncating variants in this region may be relevant for neuromuscular disorders, but have not been definitively shown to cause cardiomyopathy (PMID: 23975875). In summary, the available evidence is currently insufficient to determine the role of this variant in disease. Therefore, it has been classified as a Variant of Uncertain Significance.

PreventionGenetics, part of Exact Sciences
Classification: Uncertain significance for TTN-related condition. Last evaluated: 2026-01-20. Review status: criteria provided, single submitter. Criteria: ACMG Guidelines, 2015. Collection method: clinical testing. Allele origin: germline.
Comment: The TTN c.104261C>T variant is predicted to result in the amino acid substitution p.Ala34754Val. This variant was reported along with a second TTN variant in an individual with hypertrophic cardiomyopathy (described as p.A25689V in NM_003319, Patient H71 in Table S4, Lopes et al. 2013. PubMed ID: 23396983). This variant is reported in 0.015% of alleles in individuals of East Asian descent in gnomAD. At this time, the clinical significance of this variant is uncertain due to the absence of conclusive functional and genetic evidence.

GeneDx
Classification: Uncertain significance. Last evaluated: 2025-07-31. Review status: criteria provided, single submitter. Criteria: GeneDx Variant Classification Process June 2021. Collection method: clinical testing. Allele origin: germline. Affected: yes.
Comment: Reported previously using alternate nomenclature in a patient with hypertrophic cardiomyopathy who also harbored a second variant (phase unknown) and a variant in a different gene (PMID: 23396983); Not observed at significant frequency in large population cohorts (gnomAD); Missense variant in a gene in which most reported pathogenic variants are truncating/loss of function; This variant is associated with the following publications: (PMID: 23396983, 17444505)

Revvity Omics, Revvity
Classification: Uncertain significance. Last evaluated: 2024-10-18. Review status: criteria provided, single submitter. Criteria: ACMG Guidelines, 2015. Collection method: clinical testing. Allele origin: germline.

Blueprint Genetics
Classification: Likely benign. Last evaluated: 2024-10-14. Review status: criteria provided, single submitter. Criteria: ACMG Guidelines, 2015. Collection method: clinical testing. Allele origin: germline.

CHEO Genetics Diagnostic Laboratory, Children's Hospital of Eastern Ontario
Classification: Likely benign for Cardiomyopathy. Last evaluated: 2022-01-27. Review status: criteria provided, single submitter. Criteria: ACMG Guidelines, 2015. Collection method: clinical testing. Allele origin: germline.

Ambry Genetics
Classification: Likely benign for Cardiovascular phenotype. Last evaluated: 2020-03-26. Review status: criteria provided, single submitter. Criteria: Ambry Variant Classification Scheme 2023. Collection method: clinical testing. Allele origin: germline.

ARUP Laboratories, Molecular Genetics and Genomics, ARUP Laboratories
Classification: Uncertain significance. Last evaluated: 2019-03-01. Review status: criteria provided, single submitter. Criteria: ARUP Molecular Germline Variant Investigation Process. Collection method: clinical testing. Allele origin: germline.
Comment: The TTN c.96557C>T; p.Ala32186Val variant (rs727505020; ClinVar Variation ID: 179648) is rare in the general population (<1% allele frequency in the Genome Aggregation Database) and has not been reported in the medical literature in association with dilated cardiomyopathy (DCM) or other TTN-related disease. The clinical relevance of rare missense variants in this gene, which are identified on average once per individual sequenced in affected populations (Herman 2012), is not well understood. Yet, evidence suggests that the vast majority of such missense variants do not contribute to the clinical outcome of DCM (Begay 2015). Thus, the clinical significance of the p.Ala32186Val variant cannot be determined with certainty.

Institute of Human Genetics, University of Leipzig Medical Center
Classification: Uncertain significance for Hypertrophic cardiomyopathy 9. Last evaluated: 2019-01-01. Review status: criteria provided, single submitter. Criteria: ACMG Guidelines, 2015. Collection method: clinical testing. Allele origin: unknown. Affected: yes.

Laboratory for Molecular Medicine, Mass General Brigham Personalized Medicine
Classification: Uncertain significance. Last evaluated: 2014-05-01. Review status: criteria provided, single submitter. Criteria: LMM Criteria. Collection method: clinical testing. Allele origin: germline. Observed: 1 variant allele.
Comment: Variant classified as Uncertain Significance - Favor Benign. The Ala32186Val (96 557C>T) variant in TTN has not been previously reported in individuals with card iomyopathy or in large population studies. Computational prediction tools and co nservation analysis are limited for this variant and the amino acid is poorly co nserved across species. Additional information is needed to fully assess the cl inical significance of the variant.

Literature cited by the submitters: PubMed 23396983 (cited by Labcorp Genetics (formerly Invitae), Labcorp and Ambry Genetics); PubMed 25589632 (cited by Labcorp Genetics (formerly Invitae), Labcorp); PubMed 23975875 (cited by Labcorp Genetics (formerly Invitae), Labcorp).

NM_001267550.2(TTN):c.104261C>T (p.Ala34754Val)

Genes: TTN (titin; minus strand), TTN-AS1 (TTN antisense RNA 1; plus strand). Cytogenetic location: 2q31.2.
Variant type: single nucleotide variant.
Coding change: c.104261C>T on transcript NM_001267550.2 (MANE Select); coding-DNA position 104261, C replaced by T.
Protein change: p.Ala34754Val; replaces alanine 34754 with valine.
Molecular consequence: missense variant.
Genome position (GRCh38, 1-based): chr2:178,532,354, G>A on the plus strand (C>T on the coding strand, the complement: TTN is on the minus strand). VCF-style: chr2-178532354-G-A. GRCh37 (hg19) VCF-style: chr2-179397081-G-A.
Other names: c.104261C>T (NM_001267550.1); c.77441C>T, p.Ala25814Val (NM_133432.3); c.77642C>T, p.Ala25881Val (NM_133437.4); c.99338C>T, p.Ala33113Val (NM_001256850.1); c.77066C>T, p.Ala25689Val (NM_003319.4); c.96557C>T, p.Ala32186Val (NM_133378.4); short protein forms A32186V, A34754V, A33113V, A25689V, A25881V, A25814V.
Identifiers: ClinVar variation 179648 (VCV000179648.31), dbSNP rs727505020, ClinGen allele CA184841.